The following is an entry in ClinVar:

NM_144631.6(ZNF513):c.440G>A (p.Arg147Gln)

Gene: ZNF513 (zinc finger protein 513; minus strand). Cytogenetic location: 2p23.3.
Variant type: single nucleotide variant.
Coding change: c.440G>A on transcript NM_144631.6 (MANE Select); coding-DNA position 440, G replaced by A.
Protein change: p.Arg147Gln; replaces arginine 147 with glutamine.
Molecular consequence: missense variant.
Genome position (GRCh38, 1-based): chr2:27,378,826, C>T on the plus strand (G>A on the coding strand, the complement: ZNF513 is on the minus strand). VCF-style: chr2-27378826-C-T. GRCh37 (hg19) VCF-style: chr2-27601693-C-T.
Other names: c.254G>A, p.Arg85Gln (NM_001201459.2); short protein forms R147Q, R85Q.
Identifiers: ClinVar variation 1404195 (VCV001404195.8), dbSNP rs1444034354, ClinGen allele CA346218379.

ClinVar aggregate classification (germline): Uncertain significance (1 of 4 stars; one submission).

Allele frequency attached by ClinVar (database versions not stated): gnomAD 0.00001; gnomAD exomes 0.00001.
gnomAD v4.1: 11 of 1,611,824 alleles (0.00068%); highest among the groups gnomAD compares: Non-Finnish European, 0.00085%; no homozygotes.

Submission:

Labcorp Genetics (formerly Invitae), Labcorp
Classification: Uncertain significance. Last evaluated: 2022-08-23. Review status: criteria provided, single submitter. Criteria: Invitae Variant Classification Sherloc (09022015). Collection method: clinical testing. Allele origin: germline.
Comment: This variant is present in population databases (no rsID available, gnomAD 0.002%). This sequence change replaces arginine, which is basic and polar, with glutamine, which is neutral and polar, at codon 147 of the ZNF513 protein (p.Arg147Gln). This variant has not been reported in the literature in individuals affected with ZNF513-related conditions. ClinVar contains an entry for this variant (Variation ID: 1404195). Algorithms developed to predict the effect of missense changes on protein structure and function are either unavailable or do not agree on the potential impact of this missense change (SIFT: "Deleterious"; PolyPhen-2: "Benign"; Align-GVGD: "Class C35"). Algorithms developed to predict the effect of sequence changes on RNA splicing suggest that this variant may create or strengthen a splice site. In summary, the available evidence is currently insufficient to determine the role of this variant in disease. Therefore, it has been classified as a Variant of Uncertain Significance.